The following is an entry in ClinVar:

ClinVar aggregate classification (germline): Uncertain significance (1 of 4 stars; one submission).

Submission:

Women's Health and Genetics/Laboratory Corporation of America, LabCorp
Classification: Uncertain significance. Last evaluated: 2023-08-24. Review status: criteria provided, single submitter. Criteria: LabCorp Variant Classification Summary - May 2015. Collection method: clinical testing. Allele origin: germline.
Comment: Variant summary: The variant identified by MLPA or other technology involves the duplication of exons 8-9, which are the last two exons of the EPCAM gene. The exact breakpoint at the 3' end of this variant is unknown and therefore this duplication might extend downstream of the assayed region of the gene. A presumed nomenclature of c.(858+1_859-1)_(*416_?)dup has been designated for the purposes of this classification. It has been assumed that this is a tandem duplication in direct orientation (Richardson_GIM_2018, Newman_AJHG_2015). Since the exact breakpoints of this duplication are not known, it is not possible to predict the protein level effect of this variant. A variant involving the duplication of the last two exons was found at a frequency of 4.6e-05 in 21694 control chromosomes in the gnomAD database, structural variants dataset. The available data on variant occurrences in the general population are insufficient to allow any conclusion about variant significance. A Duplications of exons 8-9 in the EPCAM gene have been reported in the literature in 7 cases from a cohort of >143,000 individuals referred for genetic testing, however, no phenotype details were provided, in addition authors of the study classified the variant as VUS (Truty_2019). This report does not provide unequivocal conclusions about association of the variant with Lynch Syndrome. To our knowledge, no experimental evidence demonstrating an impact on protein function has been reported. The following publication have been ascertained in the context of this evaluation (PMID: 29895855). One submitter has cited clinical-significance assessments for this variant to ClinVar after 2014 and has classified the variant as uncertain significance. In conclusion, while it may be assumed that duplication variants including a large DNA segment downstream of the gene might result in regular transcription- and translation termination with an unaffected protein product, however shorter tandem duplication variants involving the last exon may result in a frameshift or in-frame duplication change, and also can affect the 3' UTR end of the mRNA, which might be associated with disease. Since it is not possible to distinguish between these two outcomes in the context of this evaluation, the variant was classified as uncertain significance.

Literature cited by the submitters: PubMed 29895855.

NC_000002.11:g.(47607109_47612304)_(47614168_?)dup

Gene: EPCAM (epithelial cell adhesion molecule; plus strand). Cytogenetic location: 2p21.
Variant type: Duplication.
Identifiers: ClinVar variation 2581342 (VCV002581342.1).